The following is an entry in ClinVar:

NM_002860.4(ALDH18A1):c.1589A>C (p.Lys530Thr)

Gene: ALDH18A1 (aldehyde dehydrogenase 18 family member A1; minus strand). Cytogenetic location: 10q24.1.
Variant type: single nucleotide variant.
Coding change: c.1589A>C on transcript NM_002860.4 (MANE Select); coding-DNA position 1589, A replaced by C.
Protein change: p.Lys530Thr; replaces lysine 530 with threonine.
Molecular consequence: missense variant.
Genome position (GRCh38, 1-based): chr10:95,616,493, T>G on the plus strand (A>C on the coding strand, the complement: ALDH18A1 is on the minus strand). VCF-style: chr10-95616493-T-G. GRCh37 (hg19) VCF-style: chr10-97376250-T-G.
Other names: c.1583A>C, p.Lys528Thr (NM_001017423.2, NM_001323415.2); c.1256A>C, p.Lys419Thr (NM_001323412.2, NM_001323416.2); c.1589A>C, p.Lys530Thr (NM_001323413.2, NM_001323414.2); c.1484A>C, p.Lys495Thr (NM_001323417.2); c.1250A>C, p.Lys417Thr (NM_001323418.2); c.953A>C, p.Lys318Thr (NM_001323419.2); short protein forms K318T, K530T, K417T, K419T, K495T, K528T.
Identifiers: ClinVar variation 966241 (VCV000966241.11), dbSNP rs560598479, ClinGen allele CA5620282.
Genomic context (GRCh38, chr10:95,616,493, plus strand): 5'-TCTGGCCCCTCTGGGCCTGACTTGGTGCATTCCCAGGGACCTACCAGTTGCACGGCCTCC[T>G]TGACTCCATGGATTGAGAGAGCCTCCTGGGTCAGGAGGTGGAGAATCCGGTTGCTGTGTG-3'
Protein context (NP_002851.2, residues 520-540): TQEALSIHGV[Lys530Thr]EAVQLVNTRE

ClinVar aggregate classification (germline): Uncertain significance. Review status: criteria provided, multiple submitters, no conflicts (2 of 4 stars). 2 submissions from 2 submitters: Uncertain significance (2). Last evaluated 2026-01-19.

Conditions:
de Barsy syndrome. Also called: Cutis laxa-corneal clouding-oligophrenia syndrome. Identifiers: Orphanet 2962, MedGen C0268354, MONDO:0017569.
Autosomal dominant spastic paraplegia type 9. Identifiers: MedGen C1832669, MONDO:0015091.
Cutis laxa, autosomal dominant 3 (ADCL3). Identifiers: Orphanet 90348, MedGen C4225268, MONDO:0014706, OMIM 616603.

Allele frequency attached by ClinVar (database versions not stated): gnomAD 0.00001; gnomAD exomes 0.00001 and 0.00004; ExAC 0.00004; TOPMed 0.00004; 1000 Genomes Project 30x 0.00016; 1000 Genomes Project 0.00020.
gnomAD v4.1: 21 of 1,569,594 alleles (0.0013%); highest among the groups gnomAD compares: Admixed American, 0.029%; no homozygotes.

Submissions (2):

Labcorp Genetics (formerly Invitae), Labcorp
Classification: Uncertain significance for Autosomal dominant spastic paraplegia type 9; de Barsy syndrome; Cutis laxa, autosomal dominant 3. Last evaluated: 2026-01-19. Review status: criteria provided, single submitter. Criteria: Invitae Variant Classification Sherloc (09022015). Collection method: clinical testing. Allele origin: germline.
Comment: This sequence change replaces lysine, which is basic and polar, with threonine, which is neutral and polar, at codon 530 of the ALDH18A1 protein (p.Lys530Thr). This variant is present in population databases (rs560598479, gnomAD 0.02%). This variant has not been reported in the literature in individuals affected with ALDH18A1-related conditions. ClinVar contains an entry for this variant (Variation ID: 966241). Invitae Evidence Modeling of protein sequence and biophysical properties (such as structural, functional, and spatial information, amino acid conservation, physicochemical variation, residue mobility, and thermodynamic stability) indicates that this missense variant is not expected to disrupt ALDH18A1 protein function with a negative predictive value of 95%. In summary, the available evidence is currently insufficient to determine the role of this variant in disease. Therefore, it has been classified as a Variant of Uncertain Significance.

Revvity Omics, Revvity
Classification: Uncertain significance. Last evaluated: 2020-12-17. Review status: criteria provided, single submitter. Criteria: ACMG Guidelines, 2015. Collection method: clinical testing. Allele origin: germline.